The following is an entry in ClinVar:

ClinVar aggregate classification (germline): Likely pathogenic. Review status: criteria provided, multiple submitters, no conflicts (2 of 4 stars). 2 submissions from 2 submitters: Likely pathogenic (2). Last evaluated 2025-07-09.

Conditions:
Autosomal recessive Alport syndrome (ATS2). Also called: COL4A4 Alport Syndrome and Thin Basement Membrane Nephropathy; ALPORT SYNDROME 2, AUTOSOMAL RECESSIVE; Alport syndrome type 2; COL4A3-Related Nephropathy. Identifiers: Orphanet 63, Orphanet 88919, MedGen C4746745, MONDO:0008762, OMIM 203780.
Alport syndrome. Also called: Hemorrhagic familial nephritis; Hemorrhagic hereditary nephritis; Congenital hereditary hematuria. Identifiers: Orphanet 63, MedGen C1567741, MONDO:0018965.

gnomAD v4.1: 1 of 1,600,792 alleles (0.000062%); highest among the groups gnomAD compares: Non-Finnish European, 0.000086%; no homozygotes.

Submissions (2):

3billion
Classification: Likely pathogenic for Autosomal recessive Alport syndrome. Last evaluated: 2025-07-09. Review status: criteria provided, single submitter. Criteria: ACMG Guidelines, 2015. Collection method: clinical testing. Allele origin: germline. Affected: yes.
Comment: The variant is observed at an extremely low frequency in the gnomAD v4.1.0 dataset (total allele frequency: <0.001%). Predicted Consequence/Location: The variant is located in a mutational hot spot and/or well-established functional domain in which established pathogenic variants have been reported (PMID: 27627812, 30311386). In silico tool predictions suggest damaging effect of the variant on gene or gene product [REVEL: 0.93 (>=0.6, sensitivity 0.68 and specificity 0.92); 3Cnet: 0.86 (> 0.75, sensitivity 0.96 and precision 0.92)]. The same nucleotide change resulting in the same amino acid change has been previously reported to be associated with COL4A4-related disorder (ClinVar ID: VCV003377374). Therefore, this variant is classified as Likely pathogenic according to the recommendation of ACMG/AMP guideline.

Victorian Clinical Genetics Services, Murdoch Childrens Research Institute
Classification: Likely pathogenic for Alport syndrome. Last evaluated: 2020-05-26. Review status: criteria provided, single submitter. Criteria: ACMG Guidelines, 2015. Collection method: clinical testing. Allele origin: germline. Affected: yes.
Comment: Based on the classification scheme VCGS_Germline_v1.1.1, this variant is classified as Likely pathogenic. Following criteria are met: 0102 - Loss-of-function is a known mechanism of disease for this gene. NMD-predicted variants resulting in loss of protein function have previously been reported in this gene (ClinVar). (N) 0104 - Dominant Negative is a mechanism of disease for this gene. Missense variants have been reported to result in abnormal protein secretion or dominant-negative effects (PMID 24046192). (N) 0108 - This gene is known to be associated with both recessive and dominant disease. (N) 0200 - Variant is predicted to result in a missense amino acid change from a glycine to a glutamic acid (exon 37). (N) 0251 - Variant is heterozygous. (N) 0301 - Variant is absent from gnomAD. (P) 0501 - Missense variant consistently predicted to be damaging by multiple in silico tools or highly conserved with a major amino acid change. (P) 0601 - Variant affects at least one well-established (essential) functional domain or motif (Gly-X-Y repeat within the triple helical domain). (P) 0705 - No comparable variants have previous evidence for pathogenicity. (N) 0807 - Variant has not previously been reported in a clinical context. (N) 0905 - No segregation evidence has been identified for this variant. (N) 1007 - No published functional evidence has been identified for this variant. (N) 1208 - Inheritance information for this variant is not currently available. (N) Legend: (P) - Pathogenic, (N) - Neutral, (B) - Benign

Literature cited by the submitters: PubMed 24046192 (cited by Victorian Clinical Genetics Services, Murdoch Childrens Research Institute).

NM_000092.5(COL4A4):c.3497G>A (p.Gly1166Glu)

Gene: COL4A4 (collagen type IV alpha 4 chain; minus strand). Cytogenetic location: 2q36.3.
Variant type: single nucleotide variant.
Coding change: c.3497G>A on transcript NM_000092.5 (MANE Select); coding-DNA position 3497, G replaced by A.
Protein change: p.Gly1166Glu; replaces glycine 1166 with glutamic acid.
Molecular consequence: missense variant.
Genome position (GRCh38, 1-based): chr2:227,042,156, C>T on the plus strand (G>A on the coding strand, the complement: COL4A4 is on the minus strand). VCF-style: chr2-227042156-C-T. GRCh37 (hg19) VCF-style: chr2-227906872-C-T.
Other names: short protein forms G1166E.
Identifiers: ClinVar variation 3377374 (VCV003377374.2).